The following is an entry in ClinVar:

ClinVar aggregate classification (germline): Benign (1 of 4 stars; one submission).

Conditions:
Schnyder crystalline corneal dystrophy (SCCD). Also called: Crystalline corneal dystrophy; Schnyder corneal dystrophy. Identifiers: Orphanet 98967, MedGen C0271287, MONDO:0007374, OMIM 121800.

Allele frequency attached by ClinVar (database versions not stated): 1000 Genomes Project 30x 0.00312; gnomAD 0.00417 and 0.00446; 1000 Genomes Project 0.00319; TOPMed 0.00456.

Submission:

Illumina Laboratory Services, Illumina
Classification: Benign for Schnyder crystalline corneal dystrophy. Last evaluated: 2018-01-13. Review status: criteria provided, single submitter. Criteria: ICSL Variant Classification Criteria 13 December 2019. Collection method: clinical testing. Allele origin: germline.
Comment: This variant was observed in the ICSL laboratory as part of a predisposition screen in an ostensibly healthy population. It had not been previously curated by ICSL or reported in the Human Gene Mutation Database (HGMD: prior to June 1st, 2018), and was therefore a candidate for classification through an automated scoring system. Utilizing variant allele frequency, disease prevalence and penetrance estimates, and inheritance mode, an automated score was calculated to assess if this variant is too frequent to cause the disease. Based on the score and internal cut-off values, a variant classified as benign is not then subjected to further curation. The score for this variant resulted in a classification of benign for this disease.

NM_013319.3(UBIAD1):c.*1564C>T

Gene: UBIAD1 (UbiA prenyltransferase domain containing 1; plus strand). Cytogenetic location: 1p36.22.
Variant type: single nucleotide variant.
Coding change: c.*1564C>T on transcript NM_013319.3 (MANE Select); 1564 bases downstream of the stop codon, C replaced by T.
Molecular consequence: 3 prime UTR variant. On other transcripts: intron variant (2).
Genome position (GRCh38, 1-based): chr1:11,287,695, C>T. VCF-style: chr1-11287695-C-T. GRCh37 (hg19) VCF-style: chr1-11347752-C-T.
Other names: c.618+1963C>T (NM_001330349.2); c.530-7178C>T (NM_001330350.2).
Identifiers: ClinVar variation 291902 (VCV000291902.5), dbSNP rs111893018, ClinGen allele CA10607345.